The following is an entry in ClinVar:

ClinVar aggregate classification (germline): Conflicting classifications of pathogenicity. Review status: criteria provided, conflicting classifications (1 of 4 stars). 4 submissions from 4 submitters: Pathogenic (1); Likely pathogenic (2); Uncertain significance (1). Last evaluated 2025-09-05.

Conditions:
Cobalamin C disease. Also called: Methylmalonic aciduria with homocystinuria cblC type; Cobalamin-C methylmalonic acidemia and homocystinuria; Methylmalonic acidemia and homocystinuria cblC type; Methylmalonic aciduria and homocystinuria, Vitamin B12-responsive; Vitamin B12 metabolic defect with combined deficiency of methylmalonyl-CoA mutase and homocysteine:methyltetrahydrofolate methyltransferase; methylmalonic aciduria and homocystinuria type cblC. Identifiers: Orphanet 26, Orphanet 79282, MedGen C1848561, MONDO:0010184, OMIM 277400.

Allele frequency attached by ClinVar (database versions not stated): gnomAD exomes below 0.00001.
gnomAD v4.1: 1 of 1,614,178 alleles (0.000062%); highest among the groups gnomAD compares: Non-Finnish European, 0.000085%; no homozygotes.

Submissions (4):

Women's Health and Genetics/Laboratory Corporation of America, LabCorp
Classification: Uncertain significance. Last evaluated: 2025-09-05. Review status: criteria provided, single submitter. Criteria: LabCorp Variant Classification Summary - May 2015. Collection method: clinical testing. Allele origin: germline.
Comment: Variant summary: MMACHC c.471G>C (p.Trp157Cys) results in a non-conservative amino acid change in the encoded protein sequence. Algorithms developed to predict the effect of missense changes on protein structure and function all suggest that this variant is likely to be disruptive. The variant was absent in 249360 control chromosomes. The available data on variant occurrences in the general population are insufficient to allow any conclusion about variant significance. c.471G>C has been observed in an individual affected with Methylmalonic Acidemia With Homocystinuria (Lerner-Ellis_2006). These data do not allow any conclusion about variant significance. To our knowledge, no experimental evidence demonstrating an impact on protein function has been reported. The following publication has been ascertained in the context of this evaluation (PMID: 16311595). ClinVar contains an entry for this variant (Variation ID: 871725). Based on the evidence outlined above, the variant was classified as uncertain significance.

Genome-Nilou Lab
Classification: Likely pathogenic for Cobalamin C disease. Last evaluated: 2023-04-11. Review status: criteria provided, single submitter. Criteria: ACMG Guidelines, 2015. Collection method: clinical testing. Allele origin: germline. Affected: no.

Revvity Omics, Revvity
Classification: Likely pathogenic for Cobalamin C disease. Last evaluated: 2021-06-21. Review status: criteria provided, single submitter. Criteria: ACMG Guidelines, 2015. Collection method: clinical testing. Allele origin: germline.

CeGaT Center for Human Genetics Tuebingen
Classification: Pathogenic. Last evaluated: 2017-03-01. Review status: criteria provided, single submitter. Criteria: CeGaT Center For Human Genetics Tuebingen Variant Classification Criteria Version 2. Collection method: clinical testing. Allele origin: germline. Affected: yes. Observed: 1 variant allele.

Literature cited by the submitters: PubMed 16311595 (cited by Women's Health and Genetics/Laboratory Corporation of America, LabCorp).

NM_015506.3(MMACHC):c.471G>C (p.Trp157Cys)

Gene: MMACHC (metabolism of cobalamin associated C; plus strand). Cytogenetic location: 1p34.1.
Variant type: single nucleotide variant.
Coding change: c.471G>C on transcript NM_015506.3 (MANE Select); coding-DNA position 471, G replaced by C.
Protein change: p.Trp157Cys; replaces tryptophan 157 with cysteine.
Molecular consequence: missense variant.
Genome position (GRCh38, 1-based): chr1:45,508,837, G>C. VCF-style: chr1-45508837-G-C. GRCh37 (hg19) VCF-style: chr1-45974509-G-C.
Other names: c.300G>C, p.Trp100Cys (NM_001330540.2); short protein forms W100C, W157C.
Identifiers: ClinVar variation 871725 (VCV000871725.45), dbSNP rs1002571805, ClinGen allele CA21829669.